The following is an entry in ClinVar:

ClinVar aggregate classification (germline): Uncertain significance (1 of 4 stars; one submission).

Conditions:
TMEM67-related disorder. Also called: TMEM67-related condition; TMEM67-related disorders. Identifiers: MedGen CN239423.

Submission:

PreventionGenetics, part of Exact Sciences
Classification: Uncertain significance for TMEM67-related condition. Last evaluated: 2025-08-18. Review status: criteria provided, single submitter. Criteria: ACMG Guidelines, 2015. Collection method: clinical testing. Allele origin: germline.
Comment: The TMEM67 c.977A>T variant is predicted to result in the amino acid substitution p.Gln326Leu. To our knowledge, this variant has not been reported in the literature or in a large population database (gnomAD), indicating this variant is rare. At this time, the clinical significance of this variant is uncertain due to the absence of conclusive functional and genetic evidence.

NM_153704.6(TMEM67):c.977A>T (p.Gln326Leu)

Gene: TMEM67 (transmembrane protein 67; plus strand). Cytogenetic location: 8q22.1.
Variant type: single nucleotide variant.
Coding change: c.977A>T on transcript NM_153704.6 (MANE Select); coding-DNA position 977, A replaced by T.
Protein change: p.Gln326Leu; replaces glutamine 326 with leucine.
Molecular consequence: missense variant. On other transcripts: non-coding transcript variant (1).
Genome position (GRCh38, 1-based): chr8:93,780,981, A>T. VCF-style: chr8-93780981-A-T. GRCh37 (hg19) VCF-style: chr8-94793209-A-T.
Other names: c.734A>T, p.Gln245Leu (NM_001142301.1); short protein forms Q245L, Q326L.
Identifiers: ClinVar variation 4992978 (VCV004992978.1).
Genomic context (GRCh38, chr8:93,780,981, plus strand): 5'-CACCTCAAGTGCTCAGTTCTACCTCTCTTCCTACAAATTTCAGTTTTAAAGGAGAAAACC[A>T]GGTAAAAGTGTCTAATATCATTAGAGGATAACTACATTTTGATTTATAATTTTAAAAGGT-3'
Protein context (NP_714915.3, residues 316-336): PTNFSFKGEN[Gln326Leu]NTKLKFVAAS